The following is an entry in ClinVar:

NM_002299.4(LCT):c.571C>G (p.Gln191Glu)

Gene: LCT (lactase; minus strand). Cytogenetic location: 2q21.3.
Variant type: single nucleotide variant.
Coding change: c.571C>G on transcript NM_002299.4 (MANE Select); coding-DNA position 571, C replaced by G.
Protein change: p.Gln191Glu; replaces glutamine 191 with glutamic acid.
Molecular consequence: missense variant.
Genome position (GRCh38, 1-based): chr2:135,836,599, G>C on the plus strand (C>G on the coding strand, the complement: LCT is on the minus strand). VCF-style: chr2-135836599-G-C. GRCh37 (hg19) VCF-style: chr2-136594169-G-C.
Other names: short protein forms Q191E.
Identifiers: ClinVar variation 1960521 (VCV001960521.5), dbSNP rs1467513782, ClinGen allele CA348609051.

ClinVar aggregate classification (germline): Uncertain significance (1 of 4 stars; one submission).

Allele frequency attached by ClinVar (database versions not stated): gnomAD 0.00001; TOPMed 0.00001.
gnomAD v4.1: 1 of 1,613,848 alleles (0.000062%); highest among the groups gnomAD compares: East Asian, 0.0022%; no homozygotes.

Submission:

Labcorp Genetics (formerly Invitae), Labcorp
Classification: Uncertain significance. Last evaluated: 2022-07-30. Review status: criteria provided, single submitter. Criteria: Invitae Variant Classification Sherloc (09022015). Collection method: clinical testing. Allele origin: germline.
Comment: In summary, the available evidence is currently insufficient to determine the role of this variant in disease. Therefore, it has been classified as a Variant of Uncertain Significance. Algorithms developed to predict the effect of missense changes on protein structure and function are either unavailable or do not agree on the potential impact of this missense change (SIFT: "Not Available"; PolyPhen-2: "Benign"; Align-GVGD: "Not Available"). This variant has not been reported in the literature in individuals affected with LCT-related conditions. This variant is present in population databases (no rsID available, gnomAD 0.01%). This sequence change replaces glutamine, which is neutral and polar, with glutamic acid, which is acidic and polar, at codon 191 of the LCT protein (p.Gln191Glu).